The following is an entry in ClinVar:

ClinVar aggregate classification (germline): Uncertain significance (1 of 4 stars; one submission).

Conditions:
Hereditary cancer-predisposing syndrome. Also called: Neoplastic Syndromes, Hereditary; Tumor predisposition; Hereditary neoplastic syndrome; Hereditary Cancer Syndrome. Identifiers: Orphanet 140162, MedGen C0027672, MeSH D009386, MONDO:0015356.

Submission:

Ambry Genetics
Classification: Uncertain significance for Hereditary cancer-predisposing syndrome. Last evaluated: 2019-02-13. Review status: criteria provided, single submitter. Criteria: Ambry Variant Classification Scheme 2023. Collection method: clinical testing. Allele origin: germline.
Comment: The p.T252S variant (also known as c.754A>T), located in coding exon 4 of the PALB2 gene, results from an A to T substitution at nucleotide position 754. The threonine at codon 252 is replaced by serine, an amino acid with similar properties. This amino acid position is not well conserved in available vertebrate species. In addition, this alteration is predicted to be tolerated by in silico analysis. Since supporting evidence is limited at this time, the clinical significance of this alteration remains unclear.

NM_024675.4(PALB2):c.754A>T (p.Thr252Ser)

Gene: PALB2 (partner and localizer of BRCA2; minus strand). Cytogenetic location: 16p12.2.
Variant type: single nucleotide variant.
Coding change: c.754A>T on transcript NM_024675.4 (MANE Select); coding-DNA position 754, A replaced by T.
Protein change: p.Thr252Ser; replaces threonine 252 with serine.
Molecular consequence: missense variant.
Genome position (GRCh38, 1-based): chr16:23,635,792, T>A on the plus strand (A>T on the coding strand, the complement: PALB2 is on the minus strand). VCF-style: chr16-23635792-T-A. GRCh37 (hg19) VCF-style: chr16-23647113-T-A.
Other names: short protein forms T252S.
Identifiers: ClinVar variation 827114 (VCV000827114.4), dbSNP rs1597098387, ClinGen allele CA395136180.